The following is an entry in ClinVar:

ClinVar aggregate classification (germline): Uncertain significance (1 of 4 stars; one submission).

Submission:

Women's Health and Genetics/Laboratory Corporation of America, LabCorp
Classification: Uncertain significance. Last evaluated: 2020-08-10. Review status: criteria provided, single submitter. Criteria: LabCorp Variant Classification Summary - May 2015. Collection method: clinical testing. Allele origin: germline.
Comment: Variant summary: AKAP9 c.4665A>C (p.Lys1555Asn) results in a non-conservative amino acid change in the encoded protein sequence. Four of five in-silico tools predict a benign effect of the variant on protein function. The variant was absent in 240300 control chromosomes (gnomAD). The available data on variant occurrences in the general population are insufficient to allow any conclusion about variant significance. To our knowledge, no occurrence of c.4665A>C in individuals affected with Long QT Syndrome and no experimental evidence demonstrating its impact on protein function have been reported. No clinical diagnostic laboratories have submitted clinical-significance assessments for this variant to ClinVar after 2014. Based on the evidence outlined above, the variant was classified as uncertain significance.

NM_005751.5(AKAP9):c.4665A>C (p.Lys1555Asn)

Gene: AKAP9 (A-kinase anchoring protein 9; plus strand). Cytogenetic location: 7q21.2.
Variant type: single nucleotide variant.
Coding change: c.4665A>C on transcript NM_005751.5 (MANE Select); coding-DNA position 4665, A replaced by C.
Protein change: p.Lys1555Asn; replaces lysine 1555 with asparagine.
Molecular consequence: missense variant.
Genome position (GRCh38, 1-based): chr7:92,038,745, A>C. VCF-style: chr7-92038745-A-C. GRCh37 (hg19) VCF-style: chr7-91668059-A-C.
Other names: c.4665A>C, p.Lys1555Asn (NM_147185.3); short protein forms K1555N.
Identifiers: ClinVar variation 977736 (VCV000977736.1), dbSNP rs1805572997, ClinGen allele CA368129279.